The following is an entry in ClinVar:

ClinVar aggregate classification (germline): Likely pathogenic. Review status: criteria provided, multiple submitters, no conflicts (2 of 4 stars). 4 submissions from 4 submitters: Likely pathogenic (3). 1 of the submissions does not count toward it. Last evaluated 2024-09-03.

Conditions:
Mevalonic aciduria (MEVA). Identifiers: Orphanet 29, MedGen C1959626, MONDO:0012481, OMIM 610377.
Porokeratosis 3, disseminated superficial actinic type (POROK3). Also called: POROKERATOSIS 3, MULTIPLE TYPES; POROKERATOSIS 3, MIBELLI TYPE; POROKERATOSIS, DISSEMINATED SUPERFICIAL ACTINIC, 1. Identifiers: MedGen C1867981, MONDO:0008293, OMIM 175900.
Hyperimmunoglobulin D with periodic fever (HIDS). Also called: HYPERIMMUNOGLOBULINEMIA D AND PERIODIC FEVER SYNDROME; Hyperimmunoglobulinemia D; Hyperimmunoglobulinemia D with periodic fever. Identifiers: Orphanet 343, MedGen C0398691, MONDO:0009849, OMIM 260920.

Allele frequency attached by ClinVar (database versions not stated): gnomAD exomes below 0.00001 and 0.00001; ExAC 0.00001.
gnomAD v4.1: 13 of 1,614,162 alleles (0.00081%); highest among the groups gnomAD compares: East Asian, 0.0045%; no homozygotes.

Submissions (4):

Labcorp Genetics (formerly Invitae), Labcorp
Classification: Likely pathogenic for Mevalonic aciduria; Hyperimmunoglobulin D with periodic fever; Porokeratosis 3, disseminated superficial actinic type. Last evaluated: 2024-09-03. Review status: criteria provided, single submitter. Criteria: Invitae Variant Classification Sherloc (09022015). Collection method: clinical testing. Allele origin: germline.
Comment: This sequence change replaces alanine, which is neutral and non-polar, with threonine, which is neutral and polar, at codon 147 of the MVK protein (p.Ala147Thr). This variant is present in population databases (rs104895363, gnomAD 0.003%). This missense change has been observed in individuals with hyper IgD syndrome and/or mevalonate kinase deficiency (PMID: 16835861, 25677409, 26986117, 29047407). ClinVar contains an entry for this variant (Variation ID: 97591). Invitae Evidence Modeling of protein sequence and biophysical properties (such as structural, functional, and spatial information, amino acid conservation, physicochemical variation, residue mobility, and thermodynamic stability) has been performed for this missense variant. However, the output from this modeling did not meet the statistical confidence thresholds required to predict the impact of this variant on MVK protein function. In summary, the currently available evidence indicates that the variant is pathogenic, but additional data are needed to prove that conclusively. Therefore, this variant has been classified as Likely Pathogenic.

Genomic Medicine Center of Excellence, King Faisal Specialist Hospital and Research Centre
Classification: Likely pathogenic for Hyperimmunoglobulin D with periodic fever. Last evaluated: 2024-04-04. Review status: criteria provided, single submitter. Criteria: ACMG Guidelines, 2015. Collection method: clinical testing. Allele origin: germline.

Fulgent Genetics
Classification: Likely pathogenic for Porokeratosis 3, disseminated superficial actinic type; Hyperimmunoglobulin D with periodic fever; Mevalonic aciduria. Last evaluated: 2023-12-22. Review status: criteria provided, single submitter. Criteria: ACMG Guidelines, 2015. Collection method: clinical testing. Allele origin: germline.

Unité médicale des maladies autoinflammatoires, CHRU Montpellier
No classification provided. Condition: Hyperimmunoglobulin D with periodic fever. Review status: no classification provided. Collection method: not provided. Allele origin: unknown. Not counted in ClinVar's aggregate classification.
Comment: also involved in OMIM 25117

Literature cited by the submitters: PubMed 16835861 (cited by Labcorp Genetics (formerly Invitae), Labcorp); PubMed 25677409 (cited by Labcorp Genetics (formerly Invitae), Labcorp); PubMed 26986117 (cited by Labcorp Genetics (formerly Invitae), Labcorp); PubMed 29047407 (cited by Labcorp Genetics (formerly Invitae), Labcorp).

NM_000431.4(MVK):c.439G>A (p.Ala147Thr)

Gene: MVK (mevalonate kinase; plus strand). Cytogenetic location: 12q24.11.
Variant type: single nucleotide variant.
Coding change: c.439G>A on transcript NM_000431.4 (MANE Select); coding-DNA position 439, G replaced by A.
Protein change: p.Ala147Thr; replaces alanine 147 with threonine.
Molecular consequence: missense variant. On other transcripts: intron variant (1).
Genome position (GRCh38, 1-based): chr12:109,581,462, G>A. VCF-style: chr12-109581462-G-A. GRCh37 (hg19) VCF-style: chr12-110019267-G-A.
Other names: c.439G>A, p.Ala147Thr (NM_001114185.3); c.371+1516G>A (NM_001301182.2); short protein forms A147T.
Identifiers: ClinVar variation 97591 (VCV000097591.7), dbSNP rs104895363, ClinGen allele CA149831.